The following is an entry in ClinVar:

NM_004972.4(JAK2):c.1000G>A (p.Glu334Lys)

Genes: INSL6 (insulin like 6; minus strand), JAK2 (Janus kinase 2; plus strand). Cytogenetic location: 9p24.1.
Variant type: single nucleotide variant.
Coding change: c.1000G>A on transcript NM_004972.4 (MANE Select); coding-DNA position 1000, G replaced by A.
Protein change: p.Glu334Lys; replaces glutamic acid 334 with lysine.
Molecular consequence: missense variant. On other transcripts: 5 prime UTR variant (2), non-coding transcript variant (2).
Genome position (GRCh38, 1-based): chr9:5,055,732, G>A. VCF-style: chr9-5055732-G-A. GRCh37 (hg19) VCF-style: chr9-5055732-G-A.
Other names: c.1000G>A, p.Glu334Lys (NM_001322194.2, NM_001322195.2, NM_001322196.2); c.-216G>A (NM_001322198.2, NM_001322199.2); c.553G>A, p.Glu185Lys (NM_001322204.2); short protein forms E185K, E334K.
Identifiers: ClinVar variation 2754952 (VCV002754952.3), dbSNP rs1817717386, ClinGen allele CA372821557.

ClinVar aggregate classification (germline): Uncertain significance (1 of 4 stars; one submission).

Submission:

Labcorp Genetics (formerly Invitae), Labcorp
Classification: Uncertain significance. Last evaluated: 2023-08-24. Review status: criteria provided, single submitter. Criteria: Invitae Variant Classification Sherloc (09022015). Collection method: clinical testing. Allele origin: germline.
Comment: This sequence change replaces glutamic acid, which is acidic and polar, with lysine, which is basic and polar, at codon 334 of the JAK2 protein (p.Glu334Lys). This variant is not present in population databases (gnomAD no frequency). This variant has not been reported in the literature in individuals affected with JAK2-related conditions. Advanced modeling of protein sequence and biophysical properties (such as structural, functional, and spatial information, amino acid conservation, physicochemical variation, residue mobility, and thermodynamic stability) performed at Invitae indicates that this missense variant is not expected to disrupt JAK2 protein function. In summary, the available evidence is currently insufficient to determine the role of this variant in disease. Therefore, it has been classified as a Variant of Uncertain Significance.